The following is an entry in ClinVar:

NM_000064.4(C3):c.2354+6G>C

Gene: C3 (complement C3; minus strand). Cytogenetic location: 19p13.3.
Variant type: single nucleotide variant.
Coding change: c.2354+6G>C on transcript NM_000064.4 (MANE Select); 6 bases into the intron after coding-DNA position 2354, G replaced by C.
Molecular consequence: intron variant.
Genome position (GRCh38, 1-based): chr19:6,702,465, C>G on the plus strand (G>C on the coding strand, the complement: C3 is on the minus strand). VCF-style: chr19-6702465-C-G. GRCh37 (hg19) VCF-style: chr19-6702476-C-G.
Identifiers: ClinVar variation 2920433 (VCV002920433.3), dbSNP rs566441302, ClinGen allele CA9129123.

ClinVar aggregate classification (germline): Uncertain significance (1 of 4 stars; one submission).

Allele frequency attached by ClinVar (database versions not stated): 1000 Genomes Project 30x 0.00047; gnomAD exomes 0.00002; TOPMed 0.00003; ExAC 0.00012; gnomAD 0.00005; 1000 Genomes Project 0.00060.
gnomAD v4.1: 40 of 1,588,124 alleles (0.0025%); highest among the groups gnomAD compares: East Asian, 0.087%; no homozygotes.

Submission:

Labcorp Genetics (formerly Invitae), Labcorp
Classification: Uncertain significance. Last evaluated: 2025-12-27. Review status: criteria provided, single submitter. Criteria: Invitae Variant Classification Sherloc (09022015). Collection method: clinical testing. Allele origin: germline.
Comment: This sequence change falls in intron 18 of the C3 gene. It does not directly change the encoded amino acid sequence of the C3 protein. It affects a nucleotide within the consensus splice site. This variant is present in population databases (rs566441302, gnomAD 0.1%). This variant has not been reported in the literature in individuals affected with C3-related conditions. ClinVar contains an entry for this variant (Variation ID: 2920433). Variants that disrupt the consensus splice site are a relatively common cause of aberrant splicing (PMID: 17576681, 9536098). Algorithms developed to predict the effect of sequence changes on RNA splicing suggest that this variant is not likely to affect RNA splicing. In summary, the available evidence is currently insufficient to determine the role of this variant in disease. Therefore, it has been classified as a Variant of Uncertain Significance.

Literature cited by the submitters: PubMed 17576681; PubMed 9536098.